The following is an entry in ClinVar:

ClinVar aggregate classification (germline): Likely pathogenic (1 of 4 stars; one submission).

Conditions:
SHORT syndrome. Also called: SHORT STATURE, HYPEREXTENSIBILITY, HERNIA, OCULAR DEPRESSION, RIEGER ANOMALY, AND TEETHING DELAY; LIPODYSTROPHY, PARTIAL, WITH RIEGER ANOMALY AND SHORT STATURE; PIK3R1-Related SHORT Syndrome. Identifiers: Orphanet 3163, MedGen C0878684, MONDO:0010026, OMIM 269880.

Submission:

MVZ Medizinische Genetik Mainz
Classification: Likely pathogenic for SHORT syndrome. Last evaluated: 2025-12-10. Review status: criteria provided, single submitter. Criteria: UK Practice Guidelines For Variant Classification V4 01 2020. Collection method: clinical testing. Allele origin: germline. Inheritance: Autosomal dominant inheritance. Affected: yes. Observed: 1 variant allele.
Comment: ACMG Criteria: PVS1,PM2_SUP

NM_181523.3(PIK3R1):c.1568+2T>G

Gene: PIK3R1 (phosphoinositide-3-kinase regulatory subunit 1; plus strand). Cytogenetic location: 5q13.1.
Variant type: single nucleotide variant.
Coding change: c.1568+2T>G on transcript NM_181523.3 (MANE Select); the canonical splice donor site of the intron after coding-DNA position 1568, T replaced by G.
Molecular consequence: splice donor variant.
Genome position (GRCh38, 1-based): chr5:68,294,680, T>G. VCF-style: chr5-68294680-T-G. GRCh37 (hg19) VCF-style: chr5-67590508-T-G.
Other names: c.668+2T>G (NM_181524.2); c.758+2T>G (NM_181504.4); c.479+2T>G (NM_001242466.2).
Identifiers: ClinVar variation 4540445 (VCV004540445.1).